The following is an entry in ClinVar:

ClinVar aggregate classification (germline): Likely benign (0 of 4 stars; one submission).

Conditions:
POLR1B-related disorder. Also called: POLR1B-related condition.

Allele frequency attached by ClinVar (database versions not stated): gnomAD 0.00007; gnomAD exomes 0.00010; TOPMed 0.00017; 1000 Genomes Project 0.00040; ExAC 0.00045; 1000 Genomes Project 30x 0.00047.
gnomAD v4.1: 153 of 1,614,110 alleles (0.0095%); highest among the groups gnomAD compares: Admixed American, 0.21%; no homozygotes.

Submission:

PreventionGenetics, part of Exact Sciences
Classification: Likely benign for POLR1B-related condition. Last evaluated: 2021-01-21. Review status: no assertion criteria provided. Collection method: clinical testing. Allele origin: germline.
Comment: This variant is classified as likely benign based on ACMG/AMP sequence variant interpretation guidelines (Richards et al. 2015 PMID: 25741868, with internal and published modifications).

NM_019014.6(POLR1B):c.3191G>A (p.Arg1064Gln)

Gene: POLR1B (RNA polymerase I subunit B; plus strand). Cytogenetic location: 2q14.1.
Variant type: single nucleotide variant.
Coding change: c.3191G>A on transcript NM_019014.6 (MANE Select); coding-DNA position 3191, G replaced by A.
Protein change: p.Arg1064Gln; replaces arginine 1064 with glutamine.
Molecular consequence: missense variant.
Genome position (GRCh38, 1-based): chr2:112,575,512, G>A. VCF-style: chr2-112575512-G-A. GRCh37 (hg19) VCF-style: chr2-113333089-G-A.
Other names: c.3023G>A, p.Arg1008Gln (NM_001137604.3, NM_032212.2); c.3305G>A, p.Arg1102Gln (NM_001282772.2); c.2642G>A, p.Arg881Gln (NM_001282774.2); c.2558G>A, p.Arg853Gln (NM_001282776.2, NM_001371971.1); c.2774G>A, p.Arg925Gln (NM_001282777.2, NM_001282779.2, NM_001371970.1); c.3329G>A, p.Arg1110Gln (NM_001371969.1); short protein forms R1008Q, R1064Q, R1102Q, R1110Q, R853Q, R881Q, R925Q.
Identifiers: ClinVar variation 3048973 (VCV003048973.2), dbSNP rs186060938, ClinGen allele CA1835421.